The following is an entry in ClinVar:

NM_002843.4(PTPRJ):c.4008C>T (p.Ile1336=)

Gene: PTPRJ (protein tyrosine phosphatase receptor type J; plus strand). Cytogenetic location: 11p11.2.
Variant type: single nucleotide variant.
Coding change: c.4008C>T on transcript NM_002843.4 (MANE Select); coding-DNA position 4008, C replaced by T.
Protein change: p.Ile1336=; no amino-acid change (isoleucine 1336 retained).
Molecular consequence: synonymous variant.
Genome position (GRCh38, 1-based): chr11:48,167,356, C>T. VCF-style: chr11-48167356-C-T. GRCh37 (hg19) VCF-style: chr11-48188908-C-T.
Identifiers: ClinVar variation 3058251 (VCV003058251.2), dbSNP rs35920791, ClinGen allele CA5982936.

ClinVar aggregate classification (germline): Likely benign (0 of 4 stars; one submission).

Conditions:
PTPRJ-related disorder. Also called: PTPRJ-related condition.

gnomAD v4.1: 59 of 1,613,820 alleles (0.0037%); highest among the groups gnomAD compares: South Asian, 0.015%; no homozygotes.

Submission:

PreventionGenetics, part of Exact Sciences
Classification: Likely benign for PTPRJ-related condition. Last evaluated: 2019-03-04. Review status: no assertion criteria provided. Collection method: clinical testing. Allele origin: germline.
Comment: This variant is classified as likely benign based on ACMG/AMP sequence variant interpretation guidelines (Richards et al. 2015 PMID: 25741868, with internal and published modifications).